The following is an entry in ClinVar:

ClinVar aggregate classification (germline): Pathogenic (1 of 4 stars; one submission).

Conditions:
Palmoplantar keratodermas.

Submission:

Genetics Laboratory, Great Ormond Street Hospital NHS Foundation Trust, North Thames Genomic Laboratory Hub
Classification: Pathogenic for Palmoplantar keratodermas. Last evaluated: 2026-08-24. Review status: criteria provided, single submitter. Criteria: ACGS Best Practice Guidelines for Variant Classification in Rare Disease 2024 v1.2. Collection method: clinical testing. Allele origin: germline. Affected: yes.
Comment: PM2_moderate, PVS1_very-strong

NM_001942.4(DSG1):c.1687+1G>A

Gene: DSG1 (desmoglein 1; plus strand). Cytogenetic location: 18q12.1.
Variant type: single nucleotide variant.
Coding change: c.1687+1G>A on transcript NM_001942.4 (MANE Select); the canonical splice donor site of the intron after coding-DNA position 1687, G replaced by A.
Molecular consequence: splice donor variant.
Genome position (GRCh38, 1-based): chr18:31,340,026, G>A. VCF-style: chr18-31340026-G-A. GRCh37 (hg19) VCF-style: chr18-28919989-G-A.
Identifiers: ClinVar variation 5021462 (VCV005021462.1).